The following is an entry in ClinVar:

ClinVar aggregate classification (germline): Uncertain significance (1 of 4 stars; one submission).

Conditions:
Brugada syndrome. Also called: Sudden unexplained nocturnal death syndrome; Sudden Unexplained Death Syndrome; Sudden Unexplained Nocturnal Death Syndrome (SUNDS); Sudden unexpected nocturnal death syndrome. Identifiers: Orphanet 130, MedGen C1142166, MONDO:0015263.

Allele frequency attached by ClinVar (database versions not stated): gnomAD exomes below 0.00001.

Submission:

Labcorp Genetics (formerly Invitae), Labcorp
Classification: Uncertain significance for Brugada syndrome. Last evaluated: 2022-09-01. Review status: criteria provided, single submitter. Criteria: Invitae Variant Classification Sherloc (09022015). Collection method: clinical testing. Allele origin: germline.
Comment: This variant is present in population databases (no rsID available, gnomAD 0.003%). In summary, the available evidence is currently insufficient to determine the role of this variant in disease. Therefore, it has been classified as a Variant of Uncertain Significance. Algorithms developed to predict the effect of sequence changes on RNA splicing suggest that this variant may disrupt the consensus splice site. ClinVar contains an entry for this variant (Variation ID: 861225). This variant has not been reported in the literature in individuals affected with SCN10A-related conditions. This sequence change affects a donor splice site in intron 6 of the SCN10A gene. It is expected to disrupt RNA splicing. Variants that disrupt the donor or acceptor splice site typically lead to a loss of protein function (PMID: 16199547), however the current clinical and genetic evidence is not sufficient to establish whether loss-of-function variants in SCN10A cause disease.

Literature cited by the submitters: PubMed 16199547.

NM_006514.4(SCN10A):c.883+1del

Gene: SCN10A (sodium voltage-gated channel alpha subunit 10; minus strand). Cytogenetic location: 3p22.2.
Variant type: Deletion.
Coding change: c.883+1del on transcript NM_006514.4 (MANE Select); the canonical splice donor site of the intron after coding-DNA position 883, one base deleted (G; older notation c.883+1delG).
Molecular consequence: splice donor variant.
Genome position (GRCh38, 1-based): chr3:38,761,191, C deleted on the plus strand (G on the coding strand, the reverse complement: SCN10A is on the minus strand). VCF-style (leftmost placement, unchanged base first): chr3-38761190-AC-A. GRCh37 (hg19) VCF-style: chr3-38802681-AC-A.
Other names: c.883+1del (NM_001293307.2, NM_001293306.2).
Identifiers: ClinVar variation 861225 (VCV000861225.7), dbSNP rs1459269953, ClinGen allele CA542286065.